The following is an entry in ClinVar:

ClinVar aggregate classification (germline): Uncertain significance (1 of 4 stars; one submission).

Conditions:
Primary ciliary dyskinesia. Also called: Ciliary dyskinesia. Identifiers: Orphanet 244, MedGen C0008780, MONDO:0016575, HP:0012265.

Allele frequency attached by ClinVar (database versions not stated): gnomAD 0.00001; TOPMed 0.00001; gnomAD exomes 0.00002; ExAC 0.00010.
gnomAD v4.1: 35 of 1,519,808 alleles (0.0023%); highest among the groups gnomAD compares: South Asian, 0.0084%; no homozygotes.

Submission:

Labcorp Genetics (formerly Invitae), Labcorp
Classification: Uncertain significance for Primary ciliary dyskinesia. Last evaluated: 2022-06-08. Review status: criteria provided, single submitter. Criteria: Invitae Variant Classification Sherloc (09022015). Collection method: clinical testing. Allele origin: germline.
Comment: This sequence change replaces proline, which is neutral and non-polar, with alanine, which is neutral and non-polar, at codon 37 of the MCIDAS protein (p.Pro37Ala). This variant is present in population databases (rs751775414, gnomAD 0.005%). This variant has not been reported in the literature in individuals affected with MCIDAS-related conditions. Algorithms developed to predict the effect of missense changes on protein structure and function (SIFT, PolyPhen-2, Align-GVGD) all suggest that this variant is likely to be tolerated. In summary, the available evidence is currently insufficient to determine the role of this variant in disease. Therefore, it has been classified as a Variant of Uncertain Significance.

NM_001190787.3(MCIDAS):c.109C>G (p.Pro37Ala)

Gene: MCIDAS (multiciliate differentiation and DNA synthesis associated cell cycle protein; minus strand). Cytogenetic location: 5q11.2.
Variant type: single nucleotide variant.
Coding change: c.109C>G on transcript NM_001190787.3 (MANE Select); coding-DNA position 109, C replaced by G.
Protein change: p.Pro37Ala; replaces proline 37 with alanine.
Molecular consequence: missense variant.
Genome position (GRCh38, 1-based): chr5:55,227,030, G>C on the plus strand (C>G on the coding strand, the complement: MCIDAS is on the minus strand). VCF-style: chr5-55227030-G-C. GRCh37 (hg19) VCF-style: chr5-54522858-G-C.
Other names: short protein forms P37A.
Identifiers: ClinVar variation 2038629 (VCV002038629.1), dbSNP rs751775414, ClinGen allele CA3266607.